The following is an entry in ClinVar:

NM_001243133.2(NLRP3):c.2738C>T (p.Thr913Met)

Gene: NLRP3 (NLR family pyrin domain containing 3; plus strand). Cytogenetic location: 1q44.
Variant type: single nucleotide variant.
Coding change: c.2738C>T on transcript NM_001243133.2 (MANE Select); coding-DNA position 2738, C replaced by T.
Protein change: p.Thr913Met; replaces threonine 913 with methionine.
Molecular consequence: missense variant.
Genome position (GRCh38, 1-based): chr1:247,444,046, C>T. VCF-style: chr1-247444046-C-T. GRCh37 (hg19) VCF-style: chr1-247607348-C-T.
Other names: c.2738C>T, p.Thr913Met (NM_001079821.3); c.2567C>T, p.Thr856Met (NM_001127461.3, NM_001127462.3); c.2744C>T, p.Thr915Met (NM_004895.5); c.2396C>T, p.Thr799Met (NM_183395.3); short protein forms T915M, T913M, T799M, T856M.
Identifiers: ClinVar variation 234305 (VCV000234305.11), dbSNP rs765925466, ClinGen allele CA1495347.
Genomic context (GRCh38, chr1:247,444,046, plus strand): 5'-GCCTTACGTCAGTCTGTTGTTCAGCTTTGTCCTCGGTACTCAGCACTAATCAGAATCTCA[C>T]GCACCTTTACCTGCGAGGCAACACTCTCGGAGACAAGGGGATCAAACTACTCTGTGAGGG-3'
Protein context (NP_001230062.1, residues 903-923): SSVLSTNQNL[Thr913Met]HLYLRGNTLG

ClinVar aggregate classification (germline): Conflicting classifications of pathogenicity. Review status: criteria provided, conflicting classifications (1 of 4 stars). 4 submissions from 4 submitters: Uncertain significance (3); Likely benign (1). Last evaluated 2025-11-28.

Conditions:
Familial amyloid nephropathy with urticaria AND deafness (MWS). Also called: UDA SYNDROME; URTICARIA-DEAFNESS-AMYLOIDOSIS SYNDROME; MUCKLE-WELLS SYNDROME; Urticaria, deafness and amyloidosis; CRYOPYRIN-ASSOCIATED PERIODIC SYNDROME 2. Identifiers: Orphanet 575, MedGen C0268390, MONDO:0008633, OMIM 191900.
Hearing loss, autosomal dominant 34, with or without inflammation. Also called: DEAFNESS, AUTOSOMAL DOMINANT 34, WITH OR WITHOUT INFLAMMATION. Identifiers: MedGen C4521680, MONDO:0033261, OMIM 617772.
Keratitis fugax hereditaria. Also called: KERATOENDOTHELIITIS FUGAX HEREDITARIA. Identifiers: Orphanet 647815, MedGen C1835697, MONDO:0007849, OMIM 148200.
Chronic infantile neurological, cutaneous and articular syndrome (CINCA). Also called: CHRONIC NEUROLOGIC CUTANEOUS AND ARTICULAR SYNDROME; CINCA syndrome; Prieur Griscelli syndrome; CRYOPYRIN-ASSOCIATED PERIODIC SYNDROME 3. Identifiers: Orphanet 1451, MedGen C0409818, MONDO:0011776, OMIM 607115.
Familial cold autoinflammatory syndrome 1 (FCAS1). Also called: CRYOPYRIN-ASSOCIATED PERIODIC SYNDROME 1; Familial cold inflammatory syndrome 1. Identifiers: Orphanet 47045, MedGen C4551895, MONDO:0007349, OMIM 120100.
Cryopyrin associated periodic syndrome (CAPS). Identifiers: Orphanet 208650, MedGen C2316212, MONDO:0016168.

Allele frequency attached by ClinVar (database versions not stated): gnomAD 0.00001 and 0.00002; TOPMed 0.00002; gnomAD exomes 0.00003 and 0.00004; ExAC 0.00006.
gnomAD v4.1: 67 of 1,614,064 alleles (0.0042%); highest among the groups gnomAD compares: Non-Finnish European, 0.0051%; no homozygotes.

Submissions (4):

Labcorp Genetics (formerly Invitae), Labcorp
Classification: Uncertain significance for Cryopyrin associated periodic syndrome. Last evaluated: 2025-11-28. Review status: criteria provided, single submitter. Criteria: Invitae Variant Classification Sherloc (09022015). Collection method: clinical testing. Allele origin: germline.
Comment: This sequence change replaces threonine, which is neutral and polar, with methionine, which is neutral and non-polar, at codon 915 of the NLRP3 protein (p.Thr915Met). This variant is present in population databases (rs765925466, gnomAD 0.005%). This variant has not been reported in the literature in individuals affected with NLRP3-related conditions. ClinVar contains an entry for this variant (Variation ID: 234305). Invitae Evidence Modeling of protein sequence and biophysical properties (such as structural, functional, and spatial information, amino acid conservation, physicochemical variation, residue mobility, and thermodynamic stability) indicates that this missense variant is not expected to disrupt NLRP3 protein function with a negative predictive value of 95%. In summary, the available evidence is currently insufficient to determine the role of this variant in disease. Therefore, it has been classified as a Variant of Uncertain Significance.

Fulgent Genetics
Classification: Likely benign for Familial cold autoinflammatory syndrome 1; Keratitis fugax hereditaria; Familial amyloid nephropathy with urticaria AND deafness; Chronic infantile neurological, cutaneous and articular syndrome; Hearing loss, autosomal dominant 34, with or without inflammation. Last evaluated: 2024-03-07. Review status: criteria provided, single submitter. Criteria: ACMG Guidelines, 2015. Collection method: clinical testing. Allele origin: germline.

Laboratory for Molecular Medicine, Mass General Brigham Personalized Medicine
Classification: Uncertain significance. Last evaluated: 2023-02-27. Review status: criteria provided, single submitter. Criteria: ACMG Guidelines, 2015. Collection method: clinical testing. Allele origin: germline.
Comment: The p.Thr913Met variant in NLRP3 has not been previously reported in individuals with NLRP3-related symptoms but has been identified in 0.005% (1/19954) of East Asian chromosomes by gnomAD. This variant has also been reported in ClinVar (Variation ID 234305). Computational prediction tools and conservation analyses do not provide strong support for or against an impact to the protein. In summary, the clinical significance of this variant is uncertain. ACMG/AMP Criteria applied: none.

GeneDx
Classification: Uncertain significance. Last evaluated: 2022-02-11. Review status: criteria provided, single submitter. Criteria: GeneDx Variant Classification Process June 2021. Collection method: clinical testing. Allele origin: germline. Affected: yes.
Comment: In silico analysis supports that this missense variant does not alter protein structure/function; Has not been previously published as pathogenic or benign to our knowledge